The following is an entry in ClinVar:

NM_003482.4(KMT2D):c.2281C>A (p.Leu761Ile)

Gene: KMT2D (lysine methyltransferase 2D; minus strand). Cytogenetic location: 12q13.12.
Variant type: single nucleotide variant.
Coding change: c.2281C>A on transcript NM_003482.4 (MANE Select); coding-DNA position 2281, C replaced by A.
Protein change: p.Leu761Ile; replaces leucine 761 with isoleucine.
Molecular consequence: missense variant.
Genome position (GRCh38, 1-based): chr12:49,051,402, G>T on the plus strand (C>A on the coding strand, the complement: KMT2D is on the minus strand). VCF-style: chr12-49051402-G-T. GRCh37 (hg19) VCF-style: chr12-49445185-G-T.
Other names: short protein forms L761I.
Identifiers: ClinVar variation 2500566 (VCV002500566.1), dbSNP rs1315218968, ClinGen allele CA384666938.

ClinVar aggregate classification (germline): Uncertain significance (1 of 4 stars; one submission).

Allele frequency attached by ClinVar (database versions not stated): gnomAD exomes 0.00001.
gnomAD v4.1: 9 of 1,611,672 alleles (0.00056%); highest among the groups gnomAD compares: South Asian, 0.0099%; 1 homozygote.

Submission:

GeneDx
Classification: Uncertain significance. Last evaluated: 2022-10-31. Review status: criteria provided, single submitter. Criteria: GeneDx Variant Classification Process June 2021. Collection method: clinical testing. Allele origin: germline. Affected: yes.
Comment: In silico analysis supports that this missense variant does not alter protein structure/function; Has not been previously published as pathogenic or benign to our knowledge